The following is an entry in ClinVar:

NM_001143768.2(ZNF438):c.2442C>T (p.Val814=)

Gene: ZNF438 (zinc finger protein 438; minus strand). Cytogenetic location: 10p11.23.
Variant type: single nucleotide variant.
Coding change: c.2442C>T on transcript NM_001143768.2 (MANE Select); coding-DNA position 2442, C replaced by T.
Protein change: p.Val814=; no amino-acid change (valine 814 retained).
Molecular consequence: synonymous variant. On other transcripts: non-coding transcript variant (3).
Genome position (GRCh38, 1-based): chr10:30,845,006, G>A on the plus strand (C>T on the coding strand, the complement: ZNF438 is on the minus strand). VCF-style: chr10-30845006-G-A. GRCh37 (hg19) VCF-style: chr10-31133935-G-A.
Other names: c.2412C>T, p.Val804= (NM_001143770.2, NM_001143771.2); c.2442C>T, p.Val814= (NM_001387405.1, NM_001387411.1, NM_001387412.1 and 3 more transcripts); c.2295C>T, p.Val765= (NM_001143769.2).
Identifiers: ClinVar variation 2640394 (VCV002640394.24), dbSNP rs2538837317, ClinGen allele CA468977245.
Genomic context (GRCh38, chr10:30,845,006, plus strand): 5'-GGCTGCCTTGGGGTCTCATTTCTCAGCTTCACTGGAAAGTTCGATCACTCCCTGGTTGGA[G>A]ACCGTATTTAAAATAGCCCACAGTTTGGAAGGGTCCTCACAGTTATGCTGGTGCTTCCAG-3'
Protein context (NP_001137240.1, residues 804-824): PSKLWAILNT[Val814=]SNQGVIELSS

ClinVar aggregate classification (germline): Likely benign (1 of 4 stars; one submission).

gnomAD v4.1: 1 of 1,614,170 alleles (0.000062%); highest among the groups gnomAD compares: Non-Finnish European, 0.000085%; no homozygotes.

Submission:

CeGaT Center for Human Genetics Tuebingen
Classification: Likely benign. Last evaluated: 2022-10-01. Review status: criteria provided, single submitter. Criteria: CeGaT Center For Human Genetics Tuebingen Variant Classification Criteria Version 2. Collection method: clinical testing. Allele origin: germline. Affected: yes. Observed: 1 variant allele.
Comment: ZNF438: PM2:Supporting, BP4, BP7